The following is an entry in ClinVar:

ClinVar aggregate classification (germline): Uncertain significance (1 of 4 stars; one submission).

Conditions:
Autosomal recessive severe congenital neutropenia due to CSF3R deficiency. Also called: Neutropenia, severe congenital, 7, autosomal recessive. Identifiers: Orphanet 420702, MedGen C4310764, MONDO:0014865, OMIM 617014.

Allele frequency attached by ClinVar (database versions not stated): gnomAD exomes below 0.00001 and 0.00001.
gnomAD v4.1: 2 of 1,614,256 alleles (0.00012%); highest among the groups gnomAD compares: Non-Finnish European, 0.00017%; no homozygotes.

Submission:

Labcorp Genetics (formerly Invitae), Labcorp
Classification: Uncertain significance for Autosomal recessive severe congenital neutropenia due to CSF3R deficiency. Last evaluated: 2022-11-03. Review status: criteria provided, single submitter. Criteria: Invitae Variant Classification Sherloc (09022015). Collection method: clinical testing. Allele origin: germline.
Comment: This sequence change replaces proline, which is neutral and non-polar, with leucine, which is neutral and non-polar, at codon 146 of the CSF3R protein (p.Pro146Leu). In summary, the available evidence is currently insufficient to determine the role of this variant in disease. Therefore, it has been classified as a Variant of Uncertain Significance. Advanced modeling of protein sequence and biophysical properties (such as structural, functional, and spatial information, amino acid conservation, physicochemical variation, residue mobility, and thermodynamic stability) has been performed at Invitae for this missense variant, however the output from this modeling did not meet the statistical confidence thresholds required to predict the impact of this variant on CSF3R protein function. ClinVar contains an entry for this variant (Variation ID: 1495372). This variant has not been reported in the literature in individuals affected with CSF3R-related conditions. This variant is present in population databases (no rsID available, gnomAD 0.002%).

NM_000760.4(CSF3R):c.437C>T (p.Pro146Leu)

Gene: CSF3R (colony stimulating factor 3 receptor; minus strand). Cytogenetic location: 1p34.3.
Variant type: single nucleotide variant.
Coding change: c.437C>T on transcript NM_000760.4 (MANE Select); coding-DNA position 437, C replaced by T.
Protein change: p.Pro146Leu; replaces proline 146 with leucine.
Molecular consequence: missense variant.
Genome position (GRCh38, 1-based): chr1:36,473,812, G>A on the plus strand (C>T on the coding strand, the complement: CSF3R is on the minus strand). VCF-style: chr1-36473812-G-A. GRCh37 (hg19) VCF-style: chr1-36939413-G-A.
Other names: c.437C>T, p.Pro146Leu (NM_156039.3, NM_172313.3); short protein forms P146L.
Identifiers: ClinVar variation 1495372 (VCV001495372.8), dbSNP rs1455346222, ClinGen allele CA339424033.